The following is an entry in ClinVar:

ClinVar aggregate classification (germline): Likely pathogenic (1 of 4 stars; one submission).

Allele frequency attached by ClinVar (database versions not stated): gnomAD exomes 0.00001.

Submission:

Labcorp Genetics (formerly Invitae), Labcorp
Classification: Likely pathogenic. Last evaluated: 2024-01-24. Review status: criteria provided, single submitter. Criteria: Invitae Variant Classification Sherloc (09022015). Collection method: clinical testing. Allele origin: germline.
Comment: This variant results in the deletion of part of exon 6 (c.595-10_595del ) of the VAC14 gene. It is expected to disrupt RNA splicing. Variants that disrupt the donor or acceptor splice site typically lead to a loss of protein function (PMID: 16199547), and loss-of-function variants in VAC14 are known to be pathogenic (PMID: 17956977, 28635952). This variant is not present in population databases (gnomAD no frequency). This variant has not been reported in the literature in individuals affected with VAC14-related conditions. ClinVar contains an entry for this variant (Variation ID: 1367992). Algorithms developed to predict the effect of sequence changes on RNA splicing suggest that this variant may disrupt the consensus splice site. In summary, the currently available evidence indicates that the variant is pathogenic, but additional data are needed to prove that conclusively. Therefore, this variant has been classified as Likely Pathogenic.

Literature cited by the submitters: PubMed 16199547; PubMed 17956977; PubMed 28635952.

NM_018052.5(VAC14):c.595-10_595del

Gene: VAC14 (VAC14 component of PIKFYVE complex; minus strand). Cytogenetic location: 16q22.1.
Variant type: Deletion.
Coding change: c.595-10_595del on transcript NM_018052.5 (MANE Select); 10 bases into the intron before coding-DNA position 595 through coding-DNA position 595, 11 bases deleted (CCCTGGTCAGA).
Molecular consequence: splice acceptor variant.
Genome position (GRCh38, 1-based): chr16:70,783,554-70,783,564, TCTGACCAGGG deleted on the plus strand (CCCTGGTCAGA on the coding strand, the reverse complement: VAC14 is on the minus strand). VCF-style (leftmost placement, unchanged base first): chr16-70783553-ATCTGACCAGGG-A. GRCh37 (hg19) VCF-style: chr16-70817456-ATCTGACCAGGG-A.
Other names: c.-108-10_-108del (NM_001351157.2).
Identifiers: ClinVar variation 1367992 (VCV001367992.6), dbSNP rs2033913406, ClinGen allele CA2230938265.
Genomic context (GRCh38, chr16:70,783,553, plus strand): 5'-TCCAGGATCTCCGGCAGGTAATCCAGCAGGTTAATGTCTGGCACCGACTCCAGAACCAGG[ATCTGACCAGGG>A]GAAGGGAACAGGAGGGGAAGTCAGCTCCAGAACCCTGTTTCCTGCTCACCAAGCCTCTGG-3'